The following is an entry in ClinVar:

ClinVar aggregate classification (germline): Uncertain significance (1 of 4 stars; one submission).

Conditions:
5-Oxoprolinase deficiency (OPLAHD). Also called: 5-OXOPROLINURIA DUE TO 5-OXOPROLINASE DEFICIENCY. Identifiers: Orphanet 33572, MedGen C0268525, MONDO:0009825, OMIM 260005, HP:0040142.

Allele frequency attached by ClinVar (database versions not stated): gnomAD exomes below 0.00001.
gnomAD v4.1: 6 of 1,608,530 alleles (0.00037%); highest among the groups gnomAD compares: Non-Finnish European, 0.00051%; no homozygotes.

Submission:

Labcorp Genetics (formerly Invitae), Labcorp
Classification: Uncertain significance for 5-Oxoprolinase deficiency. Last evaluated: 2024-12-16. Review status: criteria provided, single submitter. Criteria: Invitae Variant Classification Sherloc (09022015). Collection method: clinical testing. Allele origin: germline.
Comment: This sequence change replaces histidine, which is basic and polar, with tyrosine, which is neutral and polar, at codon 1275 of the OPLAH protein (p.His1275Tyr). This variant is not present in population databases (gnomAD no frequency). This variant has not been reported in the literature in individuals affected with OPLAH-related conditions. ClinVar contains an entry for this variant (Variation ID: 2130705). Experimental studies and prediction algorithms are not available or were not evaluated, and the functional significance of this variant is currently unknown. In summary, the available evidence is currently insufficient to determine the role of this variant in disease. Therefore, it has been classified as a Variant of Uncertain Significance.

NM_017570.5(OPLAH):c.3823C>T (p.His1275Tyr)

Gene: OPLAH (5-oxoprolinase, ATP-hydrolysing; minus strand). Cytogenetic location: 8q24.3.
Variant type: single nucleotide variant.
Coding change: c.3823C>T on transcript NM_017570.5 (MANE Select); coding-DNA position 3823, C replaced by T.
Protein change: p.His1275Tyr; replaces histidine 1275 with tyrosine.
Molecular consequence: missense variant.
Genome position (GRCh38, 1-based): chr8:144,051,370, G>A on the plus strand (C>T on the coding strand, the complement: OPLAH is on the minus strand). VCF-style: chr8-144051370-G-A. GRCh37 (hg19) VCF-style: chr8-145106271-G-A.
Other names: short protein forms H1275Y.
Identifiers: ClinVar variation 2130705 (VCV002130705.4), dbSNP rs2540232804, ClinGen allele CA372523796.